The following is an entry in ClinVar:

ClinVar aggregate classification (germline): Uncertain significance (1 of 4 stars; one submission).

Conditions:
Capillary malformation-arteriovenous malformation syndrome. Also called: Capillary malformation-arteriovenous malformation. Identifiers: Orphanet 137667, MedGen C1842180, MONDO:0012016.

Allele frequency attached by ClinVar (database versions not stated): gnomAD exomes below 0.00001; ExAC 0.00001; TOPMed 0.00001.
gnomAD v4.1: 3 of 1,613,778 alleles (0.00019%); highest among the groups gnomAD compares: African/African-American, 0.0027%; no homozygotes.

Submission:

Labcorp Genetics (formerly Invitae), Labcorp
Classification: Uncertain significance for Capillary malformation-arteriovenous malformation syndrome. Last evaluated: 2025-10-23. Review status: criteria provided, single submitter. Criteria: Invitae Variant Classification Sherloc (09022015). Collection method: clinical testing. Allele origin: germline.
Comment: This sequence change replaces serine, which is neutral and polar, with glycine, which is neutral and non-polar, at codon 111 of the RASA1 protein (p.Ser111Gly). This variant is present in population databases (rs769128098, gnomAD 0.007%). This variant has not been reported in the literature in individuals affected with RASA1-related conditions. ClinVar contains an entry for this variant (Variation ID: 2081942). An algorithm developed to predict the effect of missense changes on protein structure and function outputs the following: PolyPhen-2: "Benign". The glycine amino acid residue is found in multiple mammalian species, which suggests that this missense change does not adversely affect protein function. In summary, the available evidence is currently insufficient to determine the role of this variant in disease. Therefore, it has been classified as a Variant of Uncertain Significance.

NM_002890.3(RASA1):c.331A>G (p.Ser111Gly)

Gene: RASA1 (RAS p21 protein activator 1; plus strand). Cytogenetic location: 5q14.3.
Variant type: single nucleotide variant.
Coding change: c.331A>G on transcript NM_002890.3 (MANE Select); coding-DNA position 331, A replaced by G.
Protein change: p.Ser111Gly; replaces serine 111 with glycine.
Molecular consequence: missense variant.
Genome position (GRCh38, 1-based): chr5:87,268,782, A>G. VCF-style: chr5-87268782-A-G. GRCh37 (hg19) VCF-style: chr5-86564599-A-G.
Other names: short protein forms S111G.
Identifiers: ClinVar variation 2081942 (VCV002081942.4), dbSNP rs769128098, ClinGen allele CA3335396.